The following is an entry in ClinVar:

ClinVar aggregate classification (germline): Uncertain significance (1 of 4 stars; one submission).

Conditions:
Nephronophthisis. Also called: Juvenile Nephronophthisis. Identifiers: Orphanet 655, MedGen C0687120, MONDO:0019005, HP:0000090.

Submission:

Labcorp Genetics (formerly Invitae), Labcorp
Classification: Uncertain significance for Nephronophthisis. Last evaluated: 2021-11-01. Review status: criteria provided, single submitter. Criteria: Invitae Variant Classification Sherloc (09022015). Collection method: clinical testing. Allele origin: germline.
Comment: This sequence change replaces arginine, which is basic and polar, with tryptophan, which is neutral and slightly polar, at codon 125 of the NPHP3 protein (p.Arg125Trp). This variant is not present in population databases (gnomAD no frequency). This variant has not been reported in the literature in individuals affected with NPHP3-related conditions. Algorithms developed to predict the effect of missense changes on protein structure and function are either unavailable or do not agree on the potential impact of this missense change (SIFT: "Deleterious"; PolyPhen-2: "Probably Damaging"; Align-GVGD: "Class C0"). In summary, the available evidence is currently insufficient to determine the role of this variant in disease. Therefore, it has been classified as a Variant of Uncertain Significance.

NM_153240.5(NPHP3):c.373C>T (p.Arg125Trp)

Genes: NPHP3 (nephrocystin 3; minus strand), NPHP3-ACAD11 (NPHP3-ACAD11 readthrough (NMD candidate); minus strand), NPHP3-AS1 (NPHP3 antisense RNA 1; plus strand). Cytogenetic location: 3q22.1.
Variant type: single nucleotide variant.
Coding change: c.373C>T on transcript NM_153240.5 (MANE Select); coding-DNA position 373, C replaced by T.
Protein change: p.Arg125Trp; replaces arginine 125 with tryptophan.
Molecular consequence: missense variant. On other transcripts: non-coding transcript variant (3).
Genome position (GRCh38, 1-based): chr3:132,721,983, G>A on the plus strand (C>T on the coding strand, the complement: NPHP3 is on the minus strand). VCF-style: chr3-132721983-G-A. GRCh37 (hg19) VCF-style: chr3-132440827-G-A.
Other names: short protein forms R125W.
Identifiers: ClinVar variation 1390586 (VCV001390586.7), dbSNP rs1483057605, ClinGen allele CA354588788.